The following is an entry in ClinVar:

ClinVar aggregate classification (germline): Conflicting classifications of pathogenicity. Review status: criteria provided, conflicting classifications (1 of 4 stars). 4 submissions from 4 submitters: Uncertain significance (2); Likely benign (1). 1 of the submissions does not count toward it. Last evaluated 2026-09-01.

Conditions:
Retinal dystrophy. Also called: Inherited retinal dystrophy. Identifiers: Orphanet 71862, MedGen C0854723, MeSH D058499, MONDO:0019118, HP:0000556.

Allele frequency attached by ClinVar (database versions not stated): gnomAD 0.00004 and 0.00006; ESP Exome Variant Server 0.00008; ExAC 0.00014; gnomAD exomes 0.00018; 1000 Genomes Project 30x 0.00031; 1000 Genomes Project 0.00040.
gnomAD v4.1: 324 of 1,614,136 alleles (0.02%); highest among the groups gnomAD compares: Middle Eastern, 0.21%; 2 homozygotes.

Submissions (4):

CeGaT Center for Human Genetics Tuebingen
Classification: Likely benign. Last evaluated: 2026-09-01. Review status: criteria provided, single submitter. Criteria: CeGaT Center For Human Genetics Tuebingen Variant Classification Criteria Version 2. Collection method: clinical testing. Allele origin: germline. Affected: yes. Observed: 1 variant allele.
Comment: LAMA1: BP4, BS2

Blueprint Genetics
Classification: Uncertain significance. Last evaluated: 2024-09-18. Review status: criteria provided, single submitter. Criteria: ACMG Guidelines, 2015. Collection method: clinical testing. Allele origin: germline.

Labcorp Genetics (formerly Invitae), Labcorp
Classification: Uncertain significance. Last evaluated: 2022-09-13. Review status: criteria provided, single submitter. Criteria: Invitae Variant Classification Sherloc (09022015). Collection method: clinical testing. Allele origin: germline.
Comment: This sequence change replaces proline, which is neutral and non-polar, with leucine, which is neutral and non-polar, at codon 315 of the LAMA1 protein (p.Pro315Leu). This variant is present in population databases (rs201386303, gnomAD 0.1%). This variant has not been reported in the literature in individuals affected with LAMA1-related conditions. ClinVar contains an entry for this variant (Variation ID: 1356158). Algorithms developed to predict the effect of missense changes on protein structure and function are either unavailable or do not agree on the potential impact of this missense change (SIFT: "Deleterious"; PolyPhen-2: "Probably Damaging"; Align-GVGD: "Class C0"). In summary, the available evidence is currently insufficient to determine the role of this variant in disease. Therefore, it has been classified as a Variant of Uncertain Significance.

Institute of Human Genetics, Univ. Regensburg, Univ. Regensburg
Classification: Uncertain significance for Retinal dystrophy. Last evaluated: 2023-01-01. Review status: no assertion criteria provided. Criteria: ACMG Guidelines, 2015. Collection method: clinical testing. Allele origin: germline. Affected: yes. Not counted in ClinVar's aggregate classification.

NM_005559.4(LAMA1):c.944C>T (p.Pro315Leu)

Gene: LAMA1 (laminin subunit alpha 1; minus strand). Cytogenetic location: 18p11.31.
Variant type: single nucleotide variant.
Coding change: c.944C>T on transcript NM_005559.4 (MANE Select); coding-DNA position 944, C replaced by T.
Protein change: p.Pro315Leu; replaces proline 315 with leucine.
Molecular consequence: missense variant.
Genome position (GRCh38, 1-based): chr18:7,044,754, G>A on the plus strand (C>T on the coding strand, the complement: LAMA1 is on the minus strand). VCF-style: chr18-7044754-G-A. GRCh37 (hg19) VCF-style: chr18-7044753-G-A.
Other names: short protein forms P315L.
Identifiers: ClinVar variation 1356158 (VCV001356158.6), dbSNP rs201386303, ClinGen allele CA8883139.
Genomic context (GRCh38, chr18:7,044,754, plus strand): 5'-CTGACCTTCAGATTCTAAGTATACTGACCTTCACATGTATTGCCGGAGGACACGGTTCCC[G>A]GCCTCCAGGGCTGCTGATGGTACCCAGGACAGCACCTGTTACAGCTCTCCCCGCAAGTAT-3'
Protein context (NP_005550.2, residues 305-325): CPGYHQQPWR[Pro315Leu]GTVSSGNTCE